The following is an entry in ClinVar:

ClinVar aggregate classification (germline): Uncertain significance. Review status: criteria provided, multiple submitters, no conflicts (2 of 4 stars). 2 submissions from 2 submitters: Uncertain significance (2). Last evaluated 2022-11-16.

Conditions:
Wolfram syndrome 1 (WFS1). Identifiers: Orphanet 3463, MedGen C4551693, MONDO:0009101, OMIM 222300.

Allele frequency attached by ClinVar (database versions not stated): gnomAD 0.00001.
gnomAD v4.1: 2 of 1,607,316 alleles (0.00012%); highest among the groups gnomAD compares: Middle Eastern, 0.033%; no homozygotes.

Submissions (2):

Labcorp Genetics (formerly Invitae), Labcorp
Classification: Uncertain significance. Last evaluated: 2022-11-16. Review status: criteria provided, single submitter. Criteria: Invitae Variant Classification Sherloc (09022015). Collection method: clinical testing. Allele origin: germline.
Comment: This variant is not present in population databases (gnomAD no frequency). This sequence change replaces leucine, which is neutral and non-polar, with isoleucine, which is neutral and non-polar, at codon 121 of the WFS1 protein (p.Leu121Ile). This variant has not been reported in the literature in individuals affected with WFS1-related conditions. In summary, the available evidence is currently insufficient to determine the role of this variant in disease. Therefore, it has been classified as a Variant of Uncertain Significance. Advanced modeling of protein sequence and biophysical properties (such as structural, functional, and spatial information, amino acid conservation, physicochemical variation, residue mobility, and thermodynamic stability) performed at Invitae indicates that this missense variant is not expected to disrupt WFS1 protein function.

Clinical Genomics, Uppaluri K&H Personalized Medicine Clinic
Classification: Uncertain significance for Wolfram syndrome 1. Review status: criteria provided, single submitter. Criteria: K & H Uppaluri Personalized Medicine Clinic Variant Classification & Assertion Criteria_Updated V.1. Collection method: research. Allele origin: unknown. Inheritance: Autosomal recessive inheritance.
Comment: Potent mutations in WFS1 gene are associated with Wolfram's syndrome, an autosomal recessive condition, which cause diabetes mellitus, diabetes insipidus, deafness and optic atrophy. However no sufficient evidence is found to ascertain the role of this particular variant rs1553876675 in Wolfram's syndrome yet.

Literature cited by the submitters: PubMed 20738327 (cited by Clinical Genomics, Uppaluri K&H Personalized Medicine Clinic); PubMed 33879153 (cited by Clinical Genomics, Uppaluri K&H Personalized Medicine Clinic); PubMed 12955714 (cited by Clinical Genomics, Uppaluri K&H Personalized Medicine Clinic); PubMed 18060660 (cited by Clinical Genomics, Uppaluri K&H Personalized Medicine Clinic); PubMed 20301750 (cited by Clinical Genomics, Uppaluri K&H Personalized Medicine Clinic); PubMed 17603484 (cited by Clinical Genomics, Uppaluri K&H Personalized Medicine Clinic).

NM_006005.3(WFS1):c.361C>A (p.Leu121Ile)

Gene: WFS1 (wolframin ER transmembrane glycoprotein; plus strand). Cytogenetic location: 4p16.1.
Variant type: single nucleotide variant.
Coding change: c.361C>A on transcript NM_006005.3 (MANE Select); coding-DNA position 361, C replaced by A.
Protein change: p.Leu121Ile; replaces leucine 121 with isoleucine.
Molecular consequence: missense variant.
Genome position (GRCh38, 1-based): chr4:6,289,032, C>A. VCF-style: chr4-6289032-C-A. GRCh37 (hg19) VCF-style: chr4-6290759-C-A.
Other names: c.361C>A, p.Leu121Ile (NM_001145853.1); short protein forms L121I.
Identifiers: ClinVar variation 1810332 (VCV001810332.4), dbSNP rs1553876675, ClinGen allele CA356171406.
Genomic context (GRCh38, chr4:6,289,032, plus strand): 5'-GTGTCTGGCTTGCAGGTGGGGAAGCACTACCTGCAGTTGGCCGGCGACACGGATGAAGAA[C>A]TCAACAGCTGCACCGCTGTGGACTGGCTGGTCCTCGCCGCGAAGCAGGGCCGTCGCGAGG-3'
Protein context (NP_005996.2, residues 111-131): LQLAGDTDEE[Leu121Ile]NSCTAVDWLV